The following is an entry in ClinVar:

NM_003060.4(SLC22A5):c.1104_1105insGAGTATCTTTGTG (p.His369fs)

Gene: SLC22A5 (solute carrier family 22 member 5; plus strand). Cytogenetic location: 5q31.1.
Variant type: Insertion.
Coding change: c.1104_1105insGAGTATCTTTGTG on transcript NM_003060.4 (MANE Select); coding-DNA positions 1104 to 1105, GAGTATCTTTGTG inserted.
Protein change: p.His369fs; shifts the reading frame from histidine 369.
Molecular consequence: frameshift variant.
Genome position: GRCh38 VCF-style: chr5-132390739-T-TTGGAGTATCTTTG. GRCh37 (hg19) VCF-style: chr5-131726431-T-TTGGAGTATCTTTG.
Other names: c.1176_1177insGAGTATCTTTGTG, p.His393fs (NM_001308122.2); short protein forms H369fs, H393fs.
Identifiers: ClinVar variation 3591695 (VCV003591695.2).
Genomic context (GRCh38, chr5:132,390,739, plus strand): 5'-CTCTGTTTCAGGATGACCATATCAGTGGGCTATTTTGGGCTTTCGCTTGATACTCCTAAC[T>TTGGAGTATCTTTG]TGCATGGGGACATCTTTGTGAACTGCTTCCTTTCAGCGATGGTTGAAGTCCCAGCATATG-3'

ClinVar aggregate classification (germline): Pathogenic. Review status: criteria provided, multiple submitters, no conflicts (2 of 4 stars). 2 submissions from 2 submitters: Pathogenic (2). Last evaluated 2025-09-10.

Conditions:
Renal carnitine transport defect (CDSP). Also called: Primary carnitine deficiency; CARNITINE DEFICIENCY, SYSTEMIC, DUE TO DEFECT IN RENAL REABSORPTION OF CARNITINE; CARNITINE TRANSPORTER, PLASMA-MEMBRANE, DEFICIENCY OF; CARNITINE UPTAKE DEFECT; Systemic primary carnitine deficiency; Carnitine transporter deficiency. Identifiers: Orphanet 158, MedGen C0342788, MONDO:0008919, OMIM 212140.

Submissions (2):

Labcorp Genetics (formerly Invitae), Labcorp
Classification: Pathogenic for Renal carnitine transport defect. Last evaluated: 2025-09-10. Review status: criteria provided, single submitter. Criteria: Invitae Variant Classification Sherloc (09022015). Collection method: clinical testing. Allele origin: germline.
Comment: This sequence change creates a premature translational stop signal (p.His369Glufs*19) in the SLC22A5 gene. It is expected to result in an absent or disrupted protein product. Loss-of-function variants in SLC22A5 are known to be pathogenic (PMID: 9916797). This variant is not present in population databases (gnomAD no frequency). This variant has not been reported in the literature in individuals affected with SLC22A5-related conditions. ClinVar contains an entry for this variant (Variation ID: 3591695). For these reasons, this variant has been classified as Pathogenic.

Fulgent Genetics
Classification: Pathogenic for Renal carnitine transport defect. Last evaluated: 2024-05-20. Review status: criteria provided, single submitter. Criteria: ACMG Guidelines, 2015. Collection method: clinical testing. Allele origin: germline.

Literature cited by the submitters: PubMed 9916797 (cited by Labcorp Genetics (formerly Invitae), Labcorp).